The following is an entry in ClinVar:

NM_000090.4(COL3A1):c.1570C>T (p.Pro524Ser)

Gene: COL3A1 (collagen type III alpha 1 chain; plus strand). Cytogenetic location: 2q32.2.
Variant type: single nucleotide variant.
Coding change: c.1570C>T on transcript NM_000090.4 (MANE Select); coding-DNA position 1570, C replaced by T.
Protein change: p.Pro524Ser; replaces proline 524 with serine.
Molecular consequence: missense variant.
Genome position (GRCh38, 1-based): chr2:188,995,752, C>T. VCF-style: chr2-188995752-C-T. GRCh37 (hg19) VCF-style: chr2-189860478-C-T.
Other names: short protein forms P524S.
Identifiers: ClinVar variation 921674 (VCV000921674.5), dbSNP rs1688292530, ClinGen allele CA349852198.

ClinVar aggregate classification (germline): Uncertain significance (1 of 4 stars; one submission).

Conditions:
Familial thoracic aortic aneurysm and aortic dissection (TAAD). Also called: Thoracic aortic aneurysms and dissections. Identifiers: Orphanet 91387, MedGen C4707243, MONDO:0019625.

Submission:

Color Diagnostics, LLC DBA Color Health
Classification: Uncertain significance for Familial thoracic aortic aneurysm and aortic dissection. Last evaluated: 2023-12-04. Review status: criteria provided, single submitter. Criteria: ACMG Guidelines, 2015. Collection method: clinical testing. Allele origin: germline.
Comment: This missense variant replaces proline with serine at codon 524 of the COL3A1 protein. Computational prediction tools and conservation analyses are inconclusive regarding the impact of this variant on protein structure and function. Splice site prediction tools suggest that this variant may not impact RNA splicing. To our knowledge, functional studies have not been performed for this variant. This variant has not been reported in individuals affected with cardiovascular disorders in the literature. This variant has not been identified in the general population by the Genome Aggregation Database (gnomAD). The available evidence is insufficient to determine the role of this variant in disease conclusively. Therefore, this variant is classified as a Variant of Uncertain Significance.